The following is an entry in ClinVar:

ClinVar aggregate classification (germline): Uncertain significance (1 of 4 stars; one submission).

Conditions:
Charcot-Marie-Tooth disease dominant intermediate C (CMTDIC). Also called: CHARCOT-MARIE-TOOTH NEUROPATHY, DOMINANT INTERMEDIATE C. Identifiers: Orphanet 100045, MedGen C1842237, MONDO:0012012, OMIM 608323.

Allele frequency attached by ClinVar (database versions not stated): gnomAD exomes 0.00001; ExAC 0.00002; TOPMed 0.00002.

Submission:

Labcorp Genetics (formerly Invitae), Labcorp
Classification: Uncertain significance for Charcot-Marie-Tooth disease dominant intermediate C. Last evaluated: 2022-04-07. Review status: criteria provided, single submitter. Criteria: Invitae Variant Classification Sherloc (09022015). Collection method: clinical testing. Allele origin: germline.
Comment: In summary, the available evidence is currently insufficient to determine the role of this variant in disease. Therefore, it has been classified as a Variant of Uncertain Significance. Algorithms developed to predict the effect of missense changes on protein structure and function are either unavailable or do not agree on the potential impact of this missense change (SIFT: "Not Available"; PolyPhen-2: "Benign"; Align-GVGD: "Not Available"). This variant has not been reported in the literature in individuals affected with YARS-related conditions. This variant is present in population databases (rs774497213, gnomAD 0.03%). This sequence change replaces valine, which is neutral and non-polar, with isoleucine, which is neutral and non-polar, at codon 389 of the YARS protein (p.Val389Ile).

NM_003680.4(YARS1):c.1165G>A (p.Val389Ile)

Gene: YARS1 (tyrosyl-tRNA synthetase 1; minus strand). Cytogenetic location: 1p35.1.
Variant type: single nucleotide variant.
Coding change: c.1165G>A on transcript NM_003680.4 (MANE Select); coding-DNA position 1165, G replaced by A.
Protein change: p.Val389Ile; replaces valine 389 with isoleucine.
Molecular consequence: missense variant.
Genome position (GRCh38, 1-based): chr1:32,780,254, C>T on the plus strand (G>A on the coding strand, the complement: YARS1 is on the minus strand). VCF-style: chr1-32780254-C-T. GRCh37 (hg19) VCF-style: chr1-33245855-C-T.
Other names: short protein forms V389I.
Identifiers: ClinVar variation 1947401 (VCV001947401.5), dbSNP rs774497213, ClinGen allele CA744961.
Genomic context (GRCh38, chr1:32,780,254, plus strand): 5'-ACTGTACCAGGCCGCTCACCACAGTCCGTGGTTCAGCTTCCCCCACGTCAATCTTCTCTA[C>T]ATACAGGCTGTCTGCATCTGGGTGCTGCCAGGGAGAGACGTCAGGAGGAAGAGGATCATC-3'
Protein context (NP_003671.1, residues 379-399): EKHPDADSLY[Val389Ile]EKIDVGEAEP